The following is an entry in ClinVar:

ClinVar aggregate classification (germline): Uncertain significance (1 of 4 stars; one submission).

Submission:

Labcorp Genetics (formerly Invitae), Labcorp
Classification: Uncertain significance. Last evaluated: 2022-11-10. Review status: criteria provided, single submitter. Criteria: Invitae Variant Classification Sherloc (09022015). Collection method: clinical testing. Allele origin: germline.
Comment: Advanced modeling of protein sequence and biophysical properties (such as structural, functional, and spatial information, amino acid conservation, physicochemical variation, residue mobility, and thermodynamic stability) performed at Invitae indicates that this missense variant is not expected to disrupt SLC12A6 protein function. In summary, the available evidence is currently insufficient to determine the role of this variant in disease. Therefore, it has been classified as a Variant of Uncertain Significance. This variant has not been reported in the literature in individuals affected with SLC12A6-related conditions. This sequence change replaces glutamine, which is neutral and polar, with histidine, which is basic and polar, at codon 1042 of the SLC12A6 protein (p.Gln1042His). This variant is not present in population databases (gnomAD no frequency).

NM_001365088.1(SLC12A6):c.3126G>C (p.Gln1042His)

Gene: SLC12A6 (solute carrier family 12 member 6; minus strand). Cytogenetic location: 15q14.
Variant type: single nucleotide variant.
Coding change: c.3126G>C on transcript NM_001365088.1 (MANE Select); coding-DNA position 3126, G replaced by C.
Protein change: p.Gln1042His; replaces glutamine 1042 with histidine.
Molecular consequence: missense variant.
Genome position (GRCh38, 1-based): chr15:34,236,116, C>G on the plus strand (G>C on the coding strand, the complement: SLC12A6 is on the minus strand). VCF-style: chr15-34236116-C-G. GRCh37 (hg19) VCF-style: chr15-34528317-C-G.
Other names: c.2949G>C, p.Gln983His (NM_001042494.2, NM_001042495.2); c.3099G>C, p.Gln1033His (NM_001042496.2); c.3081G>C, p.Gln1027His (NM_001042497.2); c.2973G>C, p.Gln991His (NM_005135.2); c.3126G>C, p.Gln1042His (NM_133647.2); short protein forms Q1033H, Q1042H, Q991H, Q1027H, Q983H.
Identifiers: ClinVar variation 2880225 (VCV002880225.3), dbSNP rs2509743349, ClinGen allele CA391617658.